The following is an entry in ClinVar:

NM_021728.4(OTX2):c.94C>G (p.Pro32Ala)

Gene: OTX2 (orthodenticle homeobox 2; minus strand). Cytogenetic location: 14q22.3.
Variant type: single nucleotide variant.
Coding change: c.94C>G on transcript NM_021728.4 (MANE Select); coding-DNA position 94, C replaced by G.
Protein change: p.Pro32Ala; replaces proline 32 with alanine.
Molecular consequence: missense variant. On other transcripts: non-coding transcript variant (2).
Genome position (GRCh38, 1-based): chr14:56,805,363, G>C on the plus strand (C>G on the coding strand, the complement: OTX2 is on the minus strand). VCF-style: chr14-56805363-G-C. GRCh37 (hg19) VCF-style: chr14-57272081-G-C.
Other names: c.94C>G, p.Pro32Ala (NM_001270523.2, NM_001270524.2, NM_001270525.2 and 1 more transcripts); short protein forms P32A.
Identifiers: ClinVar variation 1696963 (VCV001696963.3), dbSNP rs2139537137, ClinGen allele CA390052633.

ClinVar aggregate classification (germline): Uncertain significance (1 of 4 stars; one submission).

Submission:

GeneDx
Classification: Uncertain significance. Last evaluated: 2022-10-28. Review status: criteria provided, single submitter. Criteria: GeneDx Variant Classification Process June 2021. Collection method: clinical testing. Allele origin: germline. Affected: yes.
Comment: Not observed at significant frequency in large population cohorts (gnomAD); In silico analysis supports that this missense variant has a deleterious effect on protein structure/function; Has not been previously published as pathogenic or benign to our knowledge